The following is an entry in ClinVar:

NM_000443.4(ABCB4):c.1027G>A (p.Gly343Arg)

Gene: ABCB4 (ATP binding cassette subfamily B member 4; minus strand). Cytogenetic location: 7q21.12.
Variant type: single nucleotide variant.
Coding change: c.1027G>A on transcript NM_000443.4 (MANE Select); coding-DNA position 1027, G replaced by A.
Protein change: p.Gly343Arg; replaces glycine 343 with arginine.
Molecular consequence: missense variant.
Genome position (GRCh38, 1-based): chr7:87,444,954, C>T on the plus strand (G>A on the coding strand, the complement: ABCB4 is on the minus strand). VCF-style: chr7-87444954-C-T. GRCh37 (hg19) VCF-style: chr7-87074270-C-T.
Other names: c.1027G>A, p.Gly343Arg (NM_018849.3, NM_018850.3); short protein forms G343R.
Identifiers: ClinVar variation 4997096 (VCV004997096.1).
Genomic context (GRCh38, chr7:87,444,954, plus strand): 5'-CTCCTCTTGCATTGGCAAAAGCATCAATACATGGGGCAGCCTGGCCAACACTGAAAGCTC[C>T]AATTAGGATTGAAAAAAAAACCTGAGCAAAATAACATGAGGAAAAGTTTAAGTCACATTC-3'
Protein context (NP_000434.1, residues 333-353): AMTVFFSILI[Gly343Arg]AFSVGQAAPC

ClinVar aggregate classification (germline): Uncertain significance (1 of 4 stars; one submission).

Conditions:
ABCB4-related disorder. Also called: ABCB4-related disorders; ABCB4-related condition.

Submission:

PreventionGenetics, part of Exact Sciences
Classification: Uncertain significance for ABCB4-related condition. Last evaluated: 2024-10-16. Review status: criteria provided, single submitter. Criteria: ACMG Guidelines, 2015. Collection method: clinical testing. Allele origin: germline.
Comment: The ABCB4 c.1027G>A variant is predicted to result in the amino acid substitution p.Gly343Arg. To our knowledge, this variant has not been reported in the literature or in a large population database (gnomAD), indicating this variant is rare. At this time, the clinical significance of this variant is uncertain due to the absence of conclusive functional and genetic evidence.